The following is an entry in ClinVar:

ClinVar aggregate classification (germline): Uncertain significance (1 of 4 stars; one submission).

Allele frequency attached by ClinVar (database versions not stated): gnomAD 0.00001.

Submission:

Labcorp Genetics (formerly Invitae), Labcorp
Classification: Uncertain significance. Last evaluated: 2023-09-15. Review status: criteria provided, single submitter. Criteria: Invitae Variant Classification Sherloc (09022015). Collection method: clinical testing. Allele origin: germline.
Comment: This sequence change replaces alanine, which is neutral and non-polar, with serine, which is neutral and polar, at codon 84 of the LOX protein (p.Ala84Ser). This variant is not present in population databases (gnomAD no frequency). In summary, the available evidence is currently insufficient to determine the role of this variant in disease. Therefore, it has been classified as a Variant of Uncertain Significance. This variant has not been reported in the literature in individuals affected with LOX-related conditions. Advanced modeling of protein sequence and biophysical properties (such as structural, functional, and spatial information, amino acid conservation, physicochemical variation, residue mobility, and thermodynamic stability) performed at Invitae indicates that this missense variant is not expected to disrupt LOX protein function.

NM_002317.7(LOX):c.250G>T (p.Ala84Ser)

Genes: LOX (lysyl oxidase; minus strand), SRFBP1 (serum response factor binding protein 1; plus strand). Cytogenetic location: 5q23.1.
Variant type: single nucleotide variant.
Coding change: c.250G>T on transcript NM_002317.7 (MANE Select); coding-DNA position 250, G replaced by T.
Protein change: p.Ala84Ser; replaces alanine 84 with serine.
Molecular consequence: missense variant.
Genome position (GRCh38, 1-based): chr5:122,077,736, C>A on the plus strand (G>T on the coding strand, the complement: LOX is on the minus strand). VCF-style: chr5-122077736-C-A. GRCh37 (hg19) VCF-style: chr5-121413431-C-A.
Other names: short protein forms A84S.
Identifiers: ClinVar variation 2964320 (VCV002964320.3), dbSNP rs775808098, ClinGen allele CA3384090.